The following is an entry in ClinVar:

NM_000161.3(GCH1):c.435G>T (p.Leu145Phe)

Gene: GCH1 (GTP cyclohydrolase 1; minus strand). Cytogenetic location: 14q22.2.
Variant type: single nucleotide variant.
Coding change: c.435G>T on transcript NM_000161.3 (MANE Select); coding-DNA position 435, G replaced by T.
Protein change: p.Leu145Phe; replaces leucine 145 with phenylalanine.
Molecular consequence: missense variant.
Genome position (GRCh38, 1-based): chr14:54,865,345, C>A on the plus strand (G>T on the coding strand, the complement: GCH1 is on the minus strand). VCF-style: chr14-54865345-C-A. GRCh37 (hg19) VCF-style: chr14-55332063-C-A.
Other names: c.435G>T, p.Leu145Phe (NM_001024024.2, NM_001024070.2, NM_001024071.2); short protein forms L145F.
Identifiers: ClinVar variation 1407811 (VCV001407811.5), dbSNP rs763677193, ClinGen allele CA389789964.

ClinVar aggregate classification (germline): Uncertain significance (1 of 4 stars; one submission).

Conditions:
GTP cyclohydrolase I deficiency. Identifiers: MedGen C0268467, MONDO:0100184.
Dystonia 5 (DRD). Also called: Dystonia, DOPA-responsive, with or without hyperphenylalaninemia; DYT-GCH1; GTP Cyclohydrolase 1-Deficient Dopa-Responsive Dystonia; DYSTONIA, PROGRESSIVE, WITH DIURNAL VARIATION; DYSTONIA-PARKINSONISM WITH DIURNAL FLUCTUATION. Identifiers: Orphanet 98808, MedGen C1851920, MONDO:0007495, OMIM 128230.

Submission:

Labcorp Genetics (formerly Invitae), Labcorp
Classification: Uncertain significance for GTP cyclohydrolase I deficiency; Dystonia 5. Last evaluated: 2021-08-20. Review status: criteria provided, single submitter. Criteria: Invitae Variant Classification Sherloc (09022015). Collection method: clinical testing. Allele origin: germline.
Comment: This sequence change replaces leucine with phenylalanine at codon 145 of the GCH1 protein (p.Leu145Phe). The leucine residue is highly conserved and there is a small physicochemical difference between leucine and phenylalanine. This variant is not present in population databases (ExAC no frequency). This missense change has been observed in individual(s) with dopa-responsive dystonia (PMID: 23211702). Advanced modeling of protein sequence and biophysical properties (such as structural, functional, and spatial information, amino acid conservation, physicochemical variation, residue mobility, and thermodynamic stability) performed at Invitae indicates that this missense variant is not expected to disrupt GCH1 protein function. In summary, the available evidence is currently insufficient to determine the role of this variant in disease. Therefore, it has been classified as a Variant of Uncertain Significance.

Literature cited by the submitters: PubMed 23211702.